The following is an entry in ClinVar:

NM_014225.6(PPP2R1A):c.1580G>T (p.Arg527Leu)

Genes: PPP2R1A (protein phosphatase 2 scaffold subunit Aalpha; plus strand), LOC126862924 (BRD4-independent group 4 enhancer GRCh37_chr19:52724813-52726012; plus strand). Cytogenetic location: 19q13.41.
Variant type: single nucleotide variant.
Coding change: c.1580G>T on transcript NM_014225.6 (MANE Select); coding-DNA position 1580, G replaced by T.
Protein change: p.Arg527Leu; replaces arginine 527 with leucine.
Molecular consequence: missense variant. On other transcripts: non-coding transcript variant (1).
Genome position (GRCh38, 1-based): chr19:52,222,160, G>T. VCF-style: chr19-52222160-G-T. GRCh37 (hg19) VCF-style: chr19-52725413-G-T.
Other names: c.1043G>T, p.Arg348Leu (NM_001363656.2); short protein forms R527L, R348L.
Identifiers: ClinVar variation 1441275 (VCV001441275.8), dbSNP rs758740333, ClinGen allele CA9621641.
Genomic context (GRCh38, chr19:52,222,160, plus strand): 5'-TGCTGTCTGAGGTCTGTGGGCAGGACATCACCACCAAGCACATGCTACCCACGGTTCTGC[G>T]CATGGCTGGGGACCCGGTTGCCAATGTCCGCTTCAATGTGGCCAAGTCTCTGCAGAAGAT-3'
Protein context (NP_055040.2, residues 517-537): TTKHMLPTVL[Arg527Leu]MAGDPVANVR

ClinVar aggregate classification (germline): Uncertain significance (1 of 4 stars; one submission).

Allele frequency attached by ClinVar (database versions not stated): TOPMed below 0.00001; gnomAD exomes 0.00001; ExAC 0.00002.
gnomAD v4.1: 3 of 1,614,174 alleles (0.00019%); highest among the groups gnomAD compares: Admixed American, 0.005%; no homozygotes.

Submission:

Labcorp Genetics (formerly Invitae), Labcorp
Classification: Uncertain significance. Last evaluated: 2025-05-27. Review status: criteria provided, single submitter. Criteria: Invitae Variant Classification Sherloc (09022015). Collection method: clinical testing. Allele origin: germline.
Comment: This sequence change replaces arginine, which is basic and polar, with leucine, which is neutral and non-polar, at codon 527 of the PPP2R1A protein (p.Arg527Leu). This variant is present in population databases (rs758740333, gnomAD 0.01%). This missense change has been observed in individual(s) with clinical features of PPP2R1A-related conditions and/or myelomeningocele (PMID: 32970752; internal data). This variant is also known as 19:52725413:G:T. ClinVar contains an entry for this variant (Variation ID: 1441275). Invitae Evidence Modeling of protein sequence and biophysical properties (such as structural, functional, and spatial information, amino acid conservation, physicochemical variation, residue mobility, and thermodynamic stability) indicates that this missense variant is not expected to disrupt PPP2R1A protein function with a negative predictive value of 80%. In summary, the available evidence is currently insufficient to determine the role of this variant in disease. Therefore, it has been classified as a Variant of Uncertain Significance.

Literature cited by the submitters: PubMed 32970752.